The following is an entry in ClinVar:

NM_000271.5(NPC1):c.2394T>C (p.Phe798=)

Gene: NPC1 (NPC intracellular cholesterol transporter 1; minus strand). Cytogenetic location: 18q11.2.
Variant type: single nucleotide variant.
Coding change: c.2394T>C on transcript NM_000271.5 (MANE Select); coding-DNA position 2394, T replaced by C.
Protein change: p.Phe798=; no amino-acid change (phenylalanine 798 retained).
Molecular consequence: synonymous variant.
Genome position (GRCh38, 1-based): chr18:23,541,188, A>G on the plus strand (T>C on the coding strand, the complement: NPC1 is on the minus strand). VCF-style: chr18-23541188-A-G. GRCh37 (hg19) VCF-style: chr18-21121152-A-G.
Other names: c.2394T>C (NM_000271.4).
Identifiers: ClinVar variation 2003630 (VCV002003630.5), dbSNP rs2511221686, ClinGen allele CA503521960.

ClinVar aggregate classification (germline): Likely benign. Review status: criteria provided, multiple submitters, no conflicts (2 of 4 stars). 2 submissions from 2 submitters: Likely benign (2). Last evaluated 2025-09-10.

Conditions:
NPC1-related disorder. Also called: NPC1-related condition.
Niemann-Pick disease, type C1. Also called: NEUROVISCERAL STORAGE DISEASE WITH VERTICAL SUPRANUCLEAR OPHTHALMOPLEGIA; NIEMANN-PICK DISEASE WITH CHOLESTEROL ESTERIFICATION BLOCK; NIEMANN-PICK DISEASE WITHOUT SPHINGOMYELINASE DEFICIENCY; NIEMANN-PICK DISEASE, CHRONIC NEURONOPATHIC FORM; NIEMANN-PICK DISEASE, VARIANT TYPE C1. Identifiers: Orphanet 646, MedGen C3179455, MONDO:0009757, OMIM 257220.

Submissions (2):

PreventionGenetics, part of Exact Sciences
Classification: Likely benign for NPC1-related condition. Last evaluated: 2025-09-10. Review status: criteria provided, single submitter. Criteria: ACMG Guidelines, 2015. Collection method: clinical testing. Allele origin: germline.
Comment: This variant is classified as likely benign based on ACMG/AMP sequence variant interpretation guidelines (Richards et al. 2015 PMID: 25741868, with internal and published modifications).

Labcorp Genetics (formerly Invitae), Labcorp
Classification: Likely benign for Niemann-Pick disease, type C1. Last evaluated: 2022-06-08. Review status: criteria provided, single submitter. Criteria: Invitae Variant Classification Sherloc (09022015). Collection method: clinical testing. Allele origin: germline.